The following is an entry in ClinVar:

ClinVar aggregate classification (germline): Uncertain significance (1 of 4 stars; one submission).

Conditions:
Hereditary cancer-predisposing syndrome. Also called: Neoplastic Syndromes, Hereditary; Tumor predisposition; Hereditary neoplastic syndrome; Hereditary Cancer Syndrome. Identifiers: Orphanet 140162, MedGen C0027672, MeSH D009386, MONDO:0015356.

Submission:

Ambry Genetics
Classification: Uncertain significance for Hereditary cancer-predisposing syndrome. Last evaluated: 2026-07-07. Review status: criteria provided, single submitter. Criteria: Ambry Variant Classification Scheme 2023. Collection method: clinical testing. Allele origin: germline.
Comment: The p.V331A variant (also known as c.992T>C), located in coding exon 5 of the RET gene, results from a T to C substitution at nucleotide position 992. The valine at codon 331 is replaced by alanine, an amino acid with similar properties. This amino acid position is conserved. In addition, the in silico prediction for this alteration is inconclusive. Based on the available evidence, the clinical significance of this variant remains unclear.

NM_020975.6(RET):c.992T>C (p.Val331Ala)

Gene: RET (ret proto-oncogene; plus strand). Cytogenetic location: 10q11.21.
Variant type: single nucleotide variant.
Coding change: c.992T>C on transcript NM_020975.6 (MANE Select); coding-DNA position 992, T replaced by C.
Protein change: p.Val331Ala; replaces valine 331 with alanine.
Molecular consequence: missense variant. On other transcripts: intron variant (25).
Genome position (GRCh38, 1-based): chr10:43,106,500, T>C. VCF-style: chr10-43106500-T-C. GRCh37 (hg19) VCF-style: chr10-43601948-T-C.
Other names: c.230T>C, p.Val77Ala (NM_001355216.2); c.992T>C, p.Val331Ala (NM_001406743.1, NM_001406744.1, NM_001406759.1 and 4 more transcripts); c.863T>C, p.Val288Ala (NM_001406761.1, NM_001406762.1, NM_001406764.1 and 1 more transcripts); c.704T>C, p.Val235Ala (NM_001406766.1, NM_001406767.1, NM_001406770.1); c.867+1307T>C (NM_001406772.1, NM_001406769.1); c.626-2531T>C (NM_001406773.1, NM_001406771.1); c.625+3871T>C (NM_001406782.1, NM_001406780.1, NM_001406779.1 and 3 more transcripts); c.74-5599T>C (NM_001406794.1, NM_001406792.1, NM_001406793.1); and 5 more; short protein forms V288A, V331A, V77A, V235A.
Identifiers: ClinVar variation 5028184 (VCV005028184.1).